The following is an entry in ClinVar:

ClinVar aggregate classification (germline): Conflicting classifications of pathogenicity. Review status: criteria provided, conflicting classifications (1 of 4 stars). 8 submissions from 7 submitters: Uncertain significance (1); Benign (1); Likely benign (5). 1 of the submissions does not count toward it. Last evaluated 2026-05-13.

Conditions:
COL11A1-related disorder. Also called: COL11A1-related condition; COL11A1-related disorders.
Fibrochondrogenesis 1 (FBCG1). Identifiers: Orphanet 2021, MedGen C3278138, MONDO:0009226, OMIM 228520.
Stickler syndrome type 2 (STL2). Also called: STICKLER SYNDROME, BEADED VITREOUS TYPE; STICKLER SYNDROME, VITREOUS TYPE 2; COL11A1-Related Stickler Syndrome; STICKLER SYNDROME, TYPE II. Identifiers: Orphanet 828, Orphanet 90654, MedGen C1858084, MONDO:0011493, OMIM 604841.

Allele frequency attached by ClinVar (database versions not stated): gnomAD exomes 0.00005 and 0.00022; gnomAD 0.00009 and 0.00010; TOPMed 0.00011; ExAC 0.00022; 1000 Genomes Project 30x 0.00031; 1000 Genomes Project 0.00040.

Submissions (8):

Women's Health and Genetics/Laboratory Corporation of America, LabCorp
Classification: Likely benign. Last evaluated: 2026-05-13. Review status: criteria provided, single submitter. Criteria: LabCorp Variant Classification Summary - May 2015. Collection method: clinical testing. Allele origin: germline.

Labcorp Genetics (formerly Invitae), Labcorp
Classification: Benign. Last evaluated: 2025-11-16. Review status: criteria provided, single submitter. Criteria: Invitae Variant Classification Sherloc (09022015). Collection method: clinical testing. Allele origin: germline.

CeGaT Center for Human Genetics Tuebingen
Classification: Likely benign. Last evaluated: 2025-05-01. Review status: criteria provided, single submitter. Criteria: CeGaT Center For Human Genetics Tuebingen Variant Classification Criteria Version 2. Collection method: clinical testing. Allele origin: germline. Affected: yes. Observed: 2 variant alleles.
Comment: COL11A1: BP4, BP7

Blueprint Genetics
Classification: Likely benign. Last evaluated: 2024-05-03. Review status: criteria provided, single submitter. Criteria: ACMG Guidelines, 2015. Collection method: clinical testing. Allele origin: germline.

GeneDx
Classification: Likely benign. Last evaluated: 2021-05-18. Review status: criteria provided, single submitter. Criteria: GeneDx Variant Classification Process June 2021. Collection method: clinical testing. Allele origin: germline. Affected: yes.

Illumina Laboratory Services, Illumina
Classification: Likely benign for Stickler syndrome type 2. Last evaluated: 2018-01-13. Review status: criteria provided, single submitter. Criteria: ICSL Variant Classification Criteria 13 December 2019. Collection method: clinical testing. Allele origin: germline.
Comment: This variant was observed in the ICSL laboratory as part of a predisposition screen in an ostensibly healthy population. It had not been previously curated by ICSL or reported in the Human Gene Mutation Database (HGMD: prior to June 1st, 2018), and was therefore a candidate for classification through an automated scoring system. Utilizing variant allele frequency, disease prevalence and penetrance estimates, and inheritance mode, an automated score was calculated to assess if this variant is too frequent to cause the disease. Based on the score and internal cut-off values, a variant classified as likely benign is not then subjected to further curation. The score for this variant resulted in a classification of likely benign for this disease.

Illumina Laboratory Services, Illumina
Classification: Uncertain significance for Fibrochondrogenesis 1. Last evaluated: 2018-01-13. Review status: criteria provided, single submitter. Criteria: ICSL Variant Classification Criteria 13 December 2019. Collection method: clinical testing. Allele origin: germline.

PreventionGenetics, part of Exact Sciences
Classification: Likely benign for COL11A1-related condition. Last evaluated: 2019-06-20. Review status: no assertion criteria provided. Collection method: clinical testing. Allele origin: germline. Not counted in ClinVar's aggregate classification.
Comment: This variant is classified as likely benign based on ACMG/AMP sequence variant interpretation guidelines (Richards et al. 2015 PMID: 25741868, with internal and published modifications).

NM_001854.4(COL11A1):c.1506T>C (p.Asp502=)

Gene: COL11A1 (collagen type XI alpha 1 chain; minus strand). Cytogenetic location: 1p21.1.
Variant type: single nucleotide variant.
Coding change: c.1506T>C on transcript NM_001854.4 (MANE Select); coding-DNA position 1506, T replaced by C.
Protein change: p.Asp502=; no amino-acid change (aspartic acid 502 retained).
Molecular consequence: synonymous variant. On other transcripts: non-coding transcript variant (1).
Genome position (GRCh38, 1-based): chr1:103,014,577, A>G on the plus strand (T>C on the coding strand, the complement: COL11A1 is on the minus strand). VCF-style: chr1-103014577-A-G. GRCh37 (hg19) VCF-style: chr1-103480133-A-G.
Other names: c.1389T>C, p.Asp463= (NM_001190709.2); c.1542T>C, p.Asp514= (NM_080629.3); c.1158T>C, p.Asp386= (NM_080630.4).
Identifiers: ClinVar variation 291533 (VCV000291533.43), dbSNP rs141770006, ClinGen allele CA974949.